The following is an entry in ClinVar:

ClinVar aggregate classification (germline): Uncertain significance (1 of 4 stars; one submission).

Conditions:
Hereditary cancer-predisposing syndrome. Also called: Hereditary Cancer Syndrome; Hereditary neoplastic syndrome; Neoplastic Syndromes, Hereditary; Tumor predisposition. Identifiers: Orphanet 140162, MedGen C0027672, MeSH D009386, MONDO:0015356.

Submission:

Ambry Genetics
Classification: Uncertain significance for Hereditary cancer-predisposing syndrome. Last evaluated: 2025-07-28. Review status: criteria provided, single submitter. Criteria: Ambry Variant Classification Scheme 2023. Collection method: clinical testing. Allele origin: germline.
Comment: The p.A39G variant (also known as c.116C>G), located in coding exon 1 of the FANCC gene, results from a C to G substitution at nucleotide position 116. The alanine at codon 39 is replaced by glycine, an amino acid with similar properties. This amino acid position is conserved. In addition, this alteration is predicted to be tolerated by in silico analysis. Based on the available evidence, the clinical significance of this variant remains unclear.

NM_000136.3(FANCC):c.116C>G (p.Ala39Gly)

Gene: FANCC (FA complementation group C; minus strand). Cytogenetic location: 9q22.32.
Variant type: single nucleotide variant.
Coding change: c.116C>G on transcript NM_000136.3 (MANE Select); coding-DNA position 116, C replaced by G.
Protein change: p.Ala39Gly; replaces alanine 39 with glycine.
Molecular consequence: missense variant.
Genome position (GRCh38, 1-based): chr9:95,249,176, G>C on the plus strand (C>G on the coding strand, the complement: FANCC is on the minus strand). VCF-style: chr9-95249176-G-C. GRCh37 (hg19) VCF-style: chr9-98011458-G-C.
Other names: c.116C>G, p.Ala39Gly (NM_001243743.2, NM_001243744.2); short protein forms A39G.
Identifiers: ClinVar variation 4254386 (VCV004254386.1).
Genomic context (GRCh38, chr9:95,249,176, plus strand): 5'-CCACTACTTACCATCTCTTTCAAGGCTTCATACATCTTCCTTAGGAACTCCTGGAACTGA[G>C]CCACGTGAAGACAGGTGTCTTGCTGGGTTTCCAAAGTGGAAGCCTGATCCCATACAGAAA-3'
Protein context (NP_000127.2, residues 29-49): ETQQDTCLHV[Ala39Gly]QFQEFLRKMY